The following is an entry in ClinVar:

NM_000551.4(VHL):c.220G>T (p.Val74Phe)

Gene: VHL (von Hippel-Lindau tumor suppressor; plus strand). Cytogenetic location: 3p25.3.
Variant type: single nucleotide variant.
Coding change: c.220G>T on transcript NM_000551.4 (MANE Select); coding-DNA position 220, G replaced by T.
Protein change: p.Val74Phe; replaces valine 74 with phenylalanine.
Molecular consequence: missense variant. On other transcripts: non-coding transcript variant (1).
Genome position (GRCh38, 1-based): chr3:10,142,067, G>T. VCF-style: chr3-10142067-G-T. GRCh37 (hg19) VCF-style: chr3-10183751-G-T.
Other names: c.220G>T, p.Val74Phe (NM_001354723.2, NM_198156.3); short protein forms V74F.
Identifiers: ClinVar variation 2954486 (VCV002954486.3), dbSNP rs2125125032, ClinGen allele CA351749164.
Genomic context (GRCh38, chr3:10,142,067, plus strand): 5'-ATGGAGGCCGGGCGGCCGCGGCCCGTGCTGCGCTCGGTGAACTCGCGCGAGCCCTCCCAG[G>T]TCATCTTCTGCAATCGCAGTCCGCGCGTCGTGCTGCCCGTATGGCTCAACTTCGACGGCG-3'
Protein context (NP_000542.1, residues 64-84): RSVNSREPSQ[Val74Phe]IFCNRSPRVV

ClinVar aggregate classification (germline): Likely pathogenic (1 of 4 stars; one submission).

Conditions:
Von Hippel-Lindau syndrome (VHLS). Also called: VHL syndrome; Von Hippel-Lindau; von Hippel–Lindau syndrome. Identifiers: Orphanet 892, MedGen C0019562, MONDO:0008667, OMIM 193300. Disease mechanism: loss of function.
Chuvash polycythemia. Also called: POLYCYTHEMIA, VHL-DEPENDENT. Identifiers: Orphanet 238557, MedGen C1837915, MONDO:0009892, OMIM 263400.

Submission:

Labcorp Genetics (formerly Invitae), Labcorp
Classification: Likely pathogenic for Von Hippel-Lindau syndrome; Chuvash polycythemia. Last evaluated: 2023-12-08. Review status: criteria provided, single submitter. Criteria: Invitae Variant Classification Sherloc (09022015). Collection method: clinical testing. Allele origin: germline.
Comment: This sequence change replaces valine, which is neutral and non-polar, with phenylalanine, which is neutral and non-polar, at codon 74 of the VHL protein (p.Val74Phe). This variant is not present in population databases (gnomAD no frequency). This variant has not been reported in the literature in individuals affected with VHL-related conditions. Advanced modeling of protein sequence and biophysical properties (such as structural, functional, and spatial information, amino acid conservation, physicochemical variation, residue mobility, and thermodynamic stability) performed at Invitae indicates that this missense variant is expected to disrupt VHL protein function with a positive predictive value of 95%. This variant disrupts the p.Val74 amino acid residue in VHL. Other variant(s) that disrupt this residue have been determined to be pathogenic (PMID: 21715564; Invitae). This suggests that this residue is clinically significant, and that variants that disrupt this residue are likely to be disease-causing. In summary, the currently available evidence indicates that the variant is pathogenic, but additional data are needed to prove that conclusively. Therefore, this variant has been classified as Likely Pathogenic.

Literature cited by the submitters: PubMed 21715564.